The following is an entry in ClinVar:

NM_018699.4(PRDM5):c.1296C>A (p.Phe432Leu)

Gene: PRDM5 (PR/SET domain 5; minus strand). Cytogenetic location: 4q27.
Variant type: single nucleotide variant.
Coding change: c.1296C>A on transcript NM_018699.4 (MANE Select); coding-DNA position 1296, C replaced by A.
Protein change: p.Phe432Leu; replaces phenylalanine 432 with leucine.
Molecular consequence: missense variant.
Genome position (GRCh38, 1-based): chr4:120,781,290, G>T on the plus strand (C>A on the coding strand, the complement: PRDM5 is on the minus strand). VCF-style: chr4-120781290-G-T. GRCh37 (hg19) VCF-style: chr4-121702445-G-T.
Other names: c.1203C>A, p.Phe401Leu (NM_001300823.2, NM_001300824.2, NM_001379106.1); c.1329C>A, p.Phe443Leu (NM_001379104.1); short protein forms F401L, F432L, F443L.
Identifiers: ClinVar variation 3424726 (VCV003424726.1).
Genomic context (GRCh38, chr4:120,781,290, plus strand): 5'-CTGGACATGAACATTTAATGTATCCTTCCTCTTAAAGGTAGCATCGCAGTGATGGCACTT[G>T]AAAGTCCTCTCACCTTAGAAACAAAGAGAAACATTTAAGAAGCAATAGCAGGGTCCTATT-3'
Protein context (NP_061169.2, residues 422-442): HLLIHNSERT[Phe432Leu]KCHHCDATFK

ClinVar aggregate classification (germline): Uncertain significance (1 of 4 stars; one submission).

Conditions:
Cardiovascular phenotype. Identifiers: MedGen CN230736.

Submission:

Ambry Genetics
Classification: Uncertain significance for Cardiovascular phenotype. Last evaluated: 2024-10-29. Review status: criteria provided, single submitter. Criteria: Ambry Variant Classification Scheme 2023. Collection method: clinical testing. Allele origin: germline.
Comment: The p.F432L variant (also known as c.1296C>A), located in coding exon 12 of the PRDM5 gene, results from a C to A substitution at nucleotide position 1296. The phenylalanine at codon 432 is replaced by leucine, an amino acid with highly similar properties. This amino acid position is conserved. In addition, the in silico prediction for this alteration is inconclusive. Based on the available evidence, the clinical significance of this variant remains unclear.